The following is an entry in ClinVar:

NM_001567.4(INPPL1):c.1660T>C (p.Ser554Pro)

Gene: INPPL1 (inositol polyphosphate phosphatase like 1; plus strand). Cytogenetic location: 11q13.4.
Variant type: single nucleotide variant.
Coding change: c.1660T>C on transcript NM_001567.4 (MANE Select); coding-DNA position 1660, T replaced by C.
Protein change: p.Ser554Pro; replaces serine 554 with proline.
Molecular consequence: missense variant.
Genome position (GRCh38, 1-based): chr11:72,232,284, T>C. VCF-style: chr11-72232284-T-C. GRCh37 (hg19) VCF-style: chr11-71943328-T-C.
Other names: short protein forms S554P.
Identifiers: ClinVar variation 2093592 (VCV002093592.4), dbSNP rs745426904, ClinGen allele CA6170103.
Genomic context (GRCh38, chr11:72,232,284, plus strand): 5'-TTGCTTGCCTTAACAGGGAACAAGGGGGCTGTGGGCGTCTCCTTCATGTTTAATGGCACC[T>C]CATTTGGCTTTGTGAATTGTCACCTCACCTCGGGAAATGAGAAGACGGCTCGGTGAGGGG-3'
Protein context (NP_001558.3, residues 544-564): VGVSFMFNGT[Ser554Pro]FGFVNCHLTS

ClinVar aggregate classification (germline): Uncertain significance (1 of 4 stars; one submission).

Allele frequency attached by ClinVar (database versions not stated): gnomAD exomes below 0.00001.
gnomAD v4.1: 1 of 1,556,832 alleles (0.000064%); highest among the groups gnomAD compares: Non-Finnish European, 0.000087%; no homozygotes.

Submission:

Labcorp Genetics (formerly Invitae), Labcorp
Classification: Uncertain significance. Last evaluated: 2022-02-07. Review status: criteria provided, single submitter. Criteria: Invitae Variant Classification Sherloc (09022015). Collection method: clinical testing. Allele origin: germline.
Comment: This variant has not been reported in the literature in individuals affected with INPPL1-related conditions. In summary, the available evidence is currently insufficient to determine the role of this variant in disease. Therefore, it has been classified as a Variant of Uncertain Significance. Algorithms developed to predict the effect of missense changes on protein structure and function are either unavailable or do not agree on the potential impact of this missense change (SIFT: "Deleterious"; PolyPhen-2: "Probably Damaging"; Align-GVGD: "Class C0"). This variant is not present in population databases (gnomAD no frequency). This sequence change replaces serine, which is neutral and polar, with proline, which is neutral and non-polar, at codon 554 of the INPPL1 protein (p.Ser554Pro).